The following is an entry in ClinVar:

ClinVar aggregate classification (germline): Uncertain significance (1 of 4 stars; one submission).

Conditions:
Cardiovascular phenotype. Identifiers: MedGen CN230736.

gnomAD v4.1: 1 of 1,550,264 alleles (0.000065%); highest among the groups gnomAD compares: African/African-American, 0.0014%; no homozygotes.

Submission:

Ambry Genetics
Classification: Uncertain significance for Cardiovascular phenotype. Last evaluated: 2023-09-06. Review status: criteria provided, single submitter. Criteria: Ambry Variant Classification Scheme 2023. Collection method: clinical testing. Allele origin: germline.
Comment: The p.P3765R variant (also known as c.11294C>G), located in coding exon 2 of the ZNF469 gene, results from a C to G substitution at nucleotide position 11294. The proline at codon 3765 is replaced by arginine, an amino acid with dissimilar properties. This amino acid position is conserved. In addition, this alteration is predicted to be tolerated by in silico analysis. Since supporting evidence is limited at this time, the clinical significance of this alteration remains unclear.

NM_001367624.2(ZNF469):c.11378C>G (p.Pro3793Arg)

Gene: ZNF469 (zinc finger protein 469; plus strand). Cytogenetic location: 16q24.2.
Variant type: single nucleotide variant.
Coding change: c.11378C>G on transcript NM_001367624.2 (MANE Select); coding-DNA position 11378, C replaced by G.
Protein change: p.Pro3793Arg; replaces proline 3793 with arginine.
Molecular consequence: missense variant.
Genome position (GRCh38, 1-based): chr16:88,438,848, C>G. VCF-style: chr16-88438848-C-G. GRCh37 (hg19) VCF-style: chr16-88505256-C-G.
Other names: NM_001127464.1:c.11294C>G; short protein forms P3793R.
Identifiers: ClinVar variation 2626143 (VCV002626143.2), dbSNP rs1262682961, ClinGen allele CA397129913.